The following is an entry in ClinVar:

NM_006516.4(SLC2A1):c.2T>G (p.Met1Arg)

Gene: SLC2A1 (solute carrier family 2 member 1; minus strand). Cytogenetic location: 1p34.2.
Variant type: single nucleotide variant.
Coding change: c.2T>G on transcript NM_006516.4 (MANE Select); coding-DNA position 2, T replaced by G.
Protein change: p.Met1Arg; changes the start codon (methionine 1).
Molecular consequence: missense variant, initiator codon variant.
Genome position (GRCh38, 1-based): chr1:42,958,650, A>C on the plus strand (T>G on the coding strand, the complement: SLC2A1 is on the minus strand). VCF-style: chr1-42958650-A-C. GRCh37 (hg19) VCF-style: chr1-43424321-A-C.
Other names: short protein forms M1R.
Identifiers: ClinVar variation 2682545 (VCV002682545.3), dbSNP rs1553157935, ClinGen allele CA339965901.

ClinVar aggregate classification (germline): Pathogenic/Likely pathogenic. Review status: criteria provided, multiple submitters, no conflicts (2 of 4 stars). 2 submissions from 2 submitters: Pathogenic (1); Likely pathogenic (1). Last evaluated 2023-11-15.

Conditions:
SLC2A1-related disorder. Also called: SLC2A1-related disorders; SLC2A1-related condition.
Encephalopathy due to GLUT1 deficiency. Also called: GLUCOSE TRANSPORT DEFECT, BLOOD-BRAIN BARRIER; Classic Glucose Transporter Type 1 Deficiency Syndrome; De Vivo disease; GLUT1 deficiency syndrome 1, infantile onset, severe; Glucose transporter protein syndrome; GLUT1 deficiency syndrome 1. Identifiers: Orphanet 71277, MedGen C4551966, MONDO:0011724, OMIM 606777.
Childhood onset GLUT1 deficiency syndrome 2. Also called: Paroxysmal exercise-induced dystonia; Exertion-induced paroxysmal dyskinesia; PAROXYSMAL EXERCISE-INDUCED DYSKINESIA WITH OR WITHOUT EPILEPSY AND/OR HEMOLYTIC ANEMIA; PAROXYSMAL EXERTION-INDUCED DYSTONIA WITH OR WITHOUT EPILEPSY AND/OR HEMOLYTIC ANEMIA; PED WITH OR WITHOUT EPILEPSY AND/OR HEMOLYTIC ANEMIA; GLUT1 deficiency syndrome 2. Identifiers: Orphanet 98811, MedGen C1842534, MONDO:0012805, OMIM 612126.
Dystonia 9 (DYT9). Also called: CHOREOATHETOSIS, KINESIGENIC, WITH EPISODIC ATAXIA AND SPASTICITY. Identifiers: Orphanet 53583, MedGen C1832855, MONDO:0010983, OMIM 601042.
Epilepsy, idiopathic generalized, susceptibility to, 12 (EIG12). Identifiers: MedGen C3553859, MONDO:0013919, OMIM 614847.
Hereditary cryohydrocytosis with reduced stomatin. Also called: Stomatin-deficient cryohydrocytosis with neurologic defects; GLUT1 DEFICIENCY SYNDROME WITH PSEUDOHYPERKALEMIA AND HEMOLYSIS. Identifiers: Orphanet 168577, MedGen C1837206, MONDO:0012143, OMIM 608885.

Submissions (2):

Women's Health and Genetics/Laboratory Corporation of America, LabCorp
Classification: Pathogenic for Encephalopathy due to GLUT1 deficiency. Last evaluated: 2023-11-15. Review status: criteria provided, single submitter. Criteria: LabCorp Variant Classification Summary - May 2015. Collection method: clinical testing. Allele origin: germline.
Comment: Variant summary: SLC2A1 c.2T>G (p.Met1Arg) alters the initiation codon and is predicted to result either in absence of the protein or truncation of the encoded protein due to translation initiation at a downstream codon. Two of three in-silico tools predict a damaging effect of the variant on protein function. The variant was absent in 130720 control chromosomes. To our knowledge, no occurrence of c.2T>G in individuals affected with GLUT1 Deficiency Syndrome 1 and no experimental evidence demonstrating its impact on protein function have been reported. However, other initiation codon variants have been reported in association with Glucose transporter type 1 deficiency syndrome as de novo mutations (c.3G>A, c.2T>C, c.1A>G; PMID: 20129935, 26193382). Additionally, GLUT1DS often presents as a haploinsufficiency disorder resulting from de novo SLC2A1 mutations in most cases, or an autosomal dominant pattern of inheritance (PMID: 11603379, etc). No submitters have cited clinical-significance assessments for this variant to ClinVar after 2014. Based on the evidence outlined above, the variant was classified as pathogenic.

Blueprint Genetics
Classification: Likely pathogenic for SLC2A1-related disorders. Last evaluated: 2020-03-27. Review status: criteria provided, single submitter. Criteria: ACMG Guidelines, 2015. Collection method: clinical testing. Allele origin: germline. Affected: yes. Observed: 1 variant allele.